The following is an entry in ClinVar:

NM_021975.4(RELA):c.1543C>T (p.Pro515Ser)

Gene: RELA (RELA proto-oncogene, NF-kB subunit; minus strand). Cytogenetic location: 11q13.1.
Variant type: single nucleotide variant.
Coding change: c.1543C>T on transcript NM_021975.4 (MANE Select); coding-DNA position 1543, C replaced by T.
Protein change: p.Pro515Ser; replaces proline 515 with serine.
Molecular consequence: missense variant.
Genome position (GRCh38, 1-based): chr11:65,654,491, G>A on the plus strand (C>T on the coding strand, the complement: RELA is on the minus strand). VCF-style: chr11-65654491-G-A. GRCh37 (hg19) VCF-style: chr11-65421962-G-A.
Other names: c.1534C>T, p.Pro512Ser (NM_001145138.2); c.1336C>T, p.Pro446Ser (NM_001243984.2); c.1234C>T, p.Pro412Ser (NM_001243985.2); c.1576C>T, p.Pro526Ser (NM_001404657.1); c.1516C>T, p.Pro506Ser (NM_001404658.1); c.1330C>T, p.Pro444Ser (NM_001404659.1); c.1225C>T, p.Pro409Ser (NM_001404660.1); c.1162C>T, p.Pro388Ser (NM_001404661.1); and 1 more; short protein forms P444S, P506S, P512S, P526S, P388S, P409S, P412S, P446S.
Identifiers: ClinVar variation 4706532 (VCV004706532.1).
Genomic context (GRCh38, chr11:65,654,491, plus strand): 5'-AGAAGTCTTCATCTCCTGAAAGGAGGCCATTGGGGAGCCCCGGGGCCCCCAGTGGAGCAG[G>A]AGCTGGGTCGGGGGGCCTCTGGGCCCCTGTCACTAGGCGAGTTATAGCCTCAGGGTACTC-3'
Protein context (NP_068810.3, residues 505-525): TGAQRPPDPA[Pro515Ser]APLGAPGLPN

ClinVar aggregate classification (germline): Uncertain significance (1 of 4 stars; one submission).

Submission:

Labcorp Genetics (formerly Invitae), Labcorp
Classification: Uncertain significance. Last evaluated: 2025-07-13. Review status: criteria provided, single submitter. Criteria: Invitae Variant Classification Sherloc (09022015). Collection method: clinical testing. Allele origin: germline.
Comment: This sequence change replaces proline, which is neutral and non-polar, with serine, which is neutral and polar, at codon 515 of the RELA protein (p.Pro515Ser). This variant is not present in population databases (gnomAD no frequency). This variant has not been reported in the literature in individuals affected with RELA-related conditions. An algorithm developed to predict the effect of missense changes on protein structure and function (PolyPhen-2) suggests that this variant is likely to be disruptive. In summary, the available evidence is currently insufficient to determine the role of this variant in disease. Therefore, it has been classified as a Variant of Uncertain Significance.